The following is an entry in ClinVar:

ClinVar aggregate classification (germline): Pathogenic (1 of 4 stars; one submission).

Allele frequency attached by ClinVar (database versions not stated): gnomAD 0.00001; TOPMed below 0.00001; ExAC 0.00003.
gnomAD v4.1: 15 of 1,614,038 alleles (0.00093%); highest among the groups gnomAD compares: Non-Finnish European, 0.0013%; no homozygotes.

Submission:

Labcorp Genetics (formerly Invitae), Labcorp
Classification: Pathogenic. Last evaluated: 2025-08-09. Review status: criteria provided, single submitter. Criteria: Invitae Variant Classification Sherloc (09022015). Collection method: clinical testing. Allele origin: germline.
Comment: This sequence change creates a premature translational stop signal (p.Gln604*) in the ORC1 gene. It is expected to result in an absent or disrupted protein product. Loss-of-function variants in ORC1 are known to be pathogenic (PMID: 21358633). This variant is present in population databases (rs778297628, gnomAD 0.004%). This variant has not been reported in the literature in individuals affected with ORC1-related conditions. ClinVar contains an entry for this variant (Variation ID: 2957738). For these reasons, this variant has been classified as Pathogenic.

Literature cited by the submitters: PubMed 21358633.

NM_004153.4(ORC1):c.1810C>T (p.Gln604Ter)

Gene: ORC1 (origin recognition complex subunit 1; minus strand). Cytogenetic location: 1p32.3.
Variant type: single nucleotide variant.
Coding change: c.1810C>T on transcript NM_004153.4 (MANE Select); coding-DNA position 1810, C replaced by T.
Protein change: p.Gln604Ter; replaces glutamine 604 with a stop codon.
Molecular consequence: nonsense.
Genome position (GRCh38, 1-based): chr1:52,383,883, G>A on the plus strand (C>T on the coding strand, the complement: ORC1 is on the minus strand). VCF-style: chr1-52383883-G-A. GRCh37 (hg19) VCF-style: chr1-52849555-G-A.
Other names: c.1810C>T, p.Gln604Ter (NM_001190818.2); c.1795C>T, p.Gln599Ter (NM_001190819.2); short protein forms Q599*, Q604*.
Identifiers: ClinVar variation 2957738 (VCV002957738.3), dbSNP rs778297628, ClinGen allele CA853204.